The following is an entry in ClinVar:

NM_013450.4(BAZ2B):c.426C>T (p.Pro142=)

Gene: BAZ2B (bromodomain adjacent to zinc finger domain 2B; minus strand). Cytogenetic location: 2q24.2.
Variant type: single nucleotide variant.
Coding change: c.426C>T on transcript NM_013450.4 (MANE Select); coding-DNA position 426, C replaced by T.
Protein change: p.Pro142=; no amino-acid change (proline 142 retained).
Molecular consequence: synonymous variant.
Genome position (GRCh38, 1-based): chr2:159,448,318, G>A on the plus strand (C>T on the coding strand, the complement: BAZ2B is on the minus strand). VCF-style: chr2-159448318-G-A. GRCh37 (hg19) VCF-style: chr2-160304829-G-A.
Other names: c.420C>T, p.Pro140= (NM_001289975.1); c.237C>T, p.Pro79= (NM_001329857.2); c.426C>T, p.Pro142= (NM_001329858.2).
Identifiers: ClinVar variation 3033887 (VCV003033887.2), dbSNP rs577276023, ClinGen allele CA1925140.

ClinVar aggregate classification (germline): Likely benign (0 of 4 stars; one submission).

Conditions:
BAZ2B-related disorder. Also called: BAZ2B-related condition.

Allele frequency attached by ClinVar (database versions not stated): gnomAD exomes 0.00006; gnomAD 0.00011; TOPMed 0.00014; ExAC 0.00018; 1000 Genomes Project 30x 0.00031; 1000 Genomes Project 0.00040.
gnomAD v4.1: 99 of 1,613,408 alleles (0.0061%); highest among the groups gnomAD compares: East Asian, 0.14%; no homozygotes.

Submission:

PreventionGenetics, part of Exact Sciences
Classification: Likely benign for BAZ2B-related condition. Last evaluated: 2019-06-18. Review status: no assertion criteria provided. Collection method: clinical testing. Allele origin: germline.
Comment: This variant is classified as likely benign based on ACMG/AMP sequence variant interpretation guidelines (Richards et al. 2015 PMID: 25741868, with internal and published modifications).